The following is an entry in ClinVar:

NM_018706.7(DHTKD1):c.1187A>G (p.His396Arg)

Gene: DHTKD1 (dehydrogenase E1 and transketolase domain containing 1; plus strand). Cytogenetic location: 10p14.
Variant type: single nucleotide variant.
Coding change: c.1187A>G on transcript NM_018706.7 (MANE Select); coding-DNA position 1187, A replaced by G.
Protein change: p.His396Arg; replaces histidine 396 with arginine.
Molecular consequence: missense variant.
Genome position (GRCh38, 1-based): chr10:12,094,100, A>G. VCF-style: chr10-12094100-A-G. GRCh37 (hg19) VCF-style: chr10-12136099-A-G.
Other names: short protein forms H396R.
Identifiers: ClinVar variation 3608850 (VCV003608850.3).

ClinVar aggregate classification (germline): Uncertain significance. Review status: criteria provided, multiple submitters, no conflicts (2 of 4 stars). 2 submissions from 2 submitters: Uncertain significance (2). Last evaluated 2024-04-25.

Conditions:
2-aminoadipic 2-oxoadipic aciduria (AAKAD). Also called: ALPHA-AMINOADIPIC AND ALPHA-KETOADIPIC ACIDURIA; Aminoadipic aciduria. Identifiers: Orphanet 79154, MedGen C1859817, MONDO:0008774, OMIM 204750.

gnomAD v4.1: 3 of 1,613,942 alleles (0.00019%); highest among the groups gnomAD compares: African/African-American, 0.0013%; no homozygotes.

Submissions (2):

Labcorp Genetics (formerly Invitae), Labcorp
Classification: Uncertain significance for 2-aminoadipic 2-oxoadipic aciduria. Last evaluated: 2024-04-25. Review status: criteria provided, single submitter. Criteria: Invitae Variant Classification Sherloc (09022015). Collection method: clinical testing. Allele origin: germline.
Comment: This sequence change replaces histidine, which is basic and polar, with arginine, which is basic and polar, at codon 396 of the DHTKD1 protein (p.His396Arg). This variant is present in population databases (no rsID available, gnomAD 0.003%). This variant has not been reported in the literature in individuals affected with DHTKD1-related conditions. Advanced modeling of protein sequence and biophysical properties (such as structural, functional, and spatial information, amino acid conservation, physicochemical variation, residue mobility, and thermodynamic stability) performed at Invitae indicates that this missense variant is not expected to disrupt DHTKD1 protein function with a negative predictive value of 80%. In summary, the available evidence is currently insufficient to determine the role of this variant in disease. Therefore, it has been classified as a Variant of Uncertain Significance.

ARUP Laboratories, Molecular Genetics and Genomics, ARUP Laboratories
Classification: Uncertain significance. Last evaluated: 2024-02-15. Review status: criteria provided, single submitter. Criteria: ARUP Molecular Germline Variant Investigation Process 2024. Collection method: clinical testing. Allele origin: germline.
Comment: The DHTKD1 c.1187A>G; p.His396Arg variant (rs1245303068), to our knowledge, is not reported in the medical literature or gene specific databases. This variant is only found on one allele in the Genome Aggregation Database (v2.1.1), indicating it is not a common polymorphism. Computational analyses predict that this variant is deleterious (REVEL: 0.961). Due to limited information, the clinical significance of this variant is uncertain at this time.